The following is an entry in ClinVar:

NM_173076.3(ABCA12):c.3678C>T (p.Tyr1226=)

Gene: ABCA12 (ATP binding cassette subfamily A member 12; minus strand). Cytogenetic location: 2q35.
Variant type: single nucleotide variant.
Coding change: c.3678C>T on transcript NM_173076.3 (MANE Select); coding-DNA position 3678, C replaced by T.
Protein change: p.Tyr1226=; no amino-acid change (tyrosine 1226 retained).
Molecular consequence: synonymous variant. On other transcripts: non-coding transcript variant (1).
Genome position (GRCh38, 1-based): chr2:214,989,568, G>A on the plus strand (C>T on the coding strand, the complement: ABCA12 is on the minus strand). VCF-style: chr2-214989568-G-A. GRCh37 (hg19) VCF-style: chr2-215854292-G-A.
Other names: c.2724C>T, p.Tyr908= (NM_015657.4).
Identifiers: ClinVar variation 709745 (VCV000709745.9), dbSNP rs115527414, ClinGen allele CA2091673.

ClinVar aggregate classification (germline): Benign/Likely benign. Review status: criteria provided, multiple submitters, no conflicts (2 of 4 stars). 3 submissions from 3 submitters: Benign (1); Likely benign (2). Last evaluated 2026-01-28.

Conditions:
ABCA12-related disorder. Also called: ABCA12-related condition.

Allele frequency attached by ClinVar (database versions not stated): gnomAD exomes 0.00055; ExAC 0.00057; gnomAD 0.00163 and 0.00178; TOPMed 0.00182; ESP Exome Variant Server 0.00215; 1000 Genomes Project 30x 0.00219; 1000 Genomes Project 0.00220.
gnomAD v4.1: 525 of 1,614,060 alleles (0.033%); highest among the groups gnomAD compares: African/African-American, 0.54%; no homozygotes.

Submissions (3):

Labcorp Genetics (formerly Invitae), Labcorp
Classification: Benign. Last evaluated: 2026-01-28. Review status: criteria provided, single submitter. Criteria: Invitae Variant Classification Sherloc (09022015). Collection method: clinical testing. Allele origin: germline.

PreventionGenetics, part of Exact Sciences
Classification: Likely benign for ABCA12-related condition. Last evaluated: 2025-03-13. Review status: criteria provided, single submitter. Criteria: ACMG Guidelines, 2015. Collection method: clinical testing. Allele origin: germline.
Comment: This variant is classified as likely benign based on ACMG/AMP sequence variant interpretation guidelines (Richards et al. 2015 PMID: 25741868, with internal and published modifications).

Blueprint Genetics
Classification: Likely benign. Last evaluated: 2024-09-11. Review status: criteria provided, single submitter. Criteria: ACMG Guidelines, 2015. Collection method: clinical testing. Allele origin: germline.